The following is an entry in ClinVar:

NM_015559.3(SETBP1):c.811G>C (p.Gly271Arg)

Gene: SETBP1 (SET binding protein 1; plus strand). Cytogenetic location: 18q12.3.
Variant type: single nucleotide variant.
Coding change: c.811G>C on transcript NM_015559.3 (MANE Select); coding-DNA position 811, G replaced by C.
Protein change: p.Gly271Arg; replaces glycine 271 with arginine.
Molecular consequence: missense variant.
Genome position (GRCh38, 1-based): chr18:44,950,151, G>C. VCF-style: chr18-44950151-G-C. GRCh37 (hg19) VCF-style: chr18-42530116-G-C.
Other names: c.811G>C, p.Gly271Arg (NM_001379141.1, NM_001379142.1, NM_001410862.1); short protein forms G271R.
Identifiers: ClinVar variation 2576753 (VCV002576753.1), dbSNP rs2511465090, ClinGen allele CA402316885.

ClinVar aggregate classification (germline): Uncertain significance (1 of 4 stars; one submission).

Submission:

GeneDx
Classification: Uncertain significance. Last evaluated: 2023-02-21. Review status: criteria provided, single submitter. Criteria: GeneDx Variant Classification Process June 2021. Collection method: clinical testing. Allele origin: germline. Affected: yes.
Comment: Not observed at significant frequency in large population cohorts (gnomAD); In silico analysis supports that this missense variant does not alter protein structure/function; Has not been previously published as pathogenic or benign to our knowledge